The following is an entry in ClinVar:

NM_013275.6(ANKRD11):c.3880G>C (p.Glu1294Gln)

Gene: ANKRD11 (ankyrin repeat domain 11; minus strand). Cytogenetic location: 16q24.3.
Variant type: single nucleotide variant.
Coding change: c.3880G>C on transcript NM_013275.6 (MANE Select); coding-DNA position 3880, G replaced by C.
Protein change: p.Glu1294Gln; replaces glutamic acid 1294 with glutamine.
Molecular consequence: missense variant.
Genome position (GRCh38, 1-based): chr16:89,282,662, C>G on the plus strand (G>C on the coding strand, the complement: ANKRD11 is on the minus strand). VCF-style: chr16-89282662-C-G. GRCh37 (hg19) VCF-style: chr16-89349070-C-G.
Other names: c.3880G>C, p.Glu1294Gln (NM_001256182.2, NM_001256183.2); c.3880G>C (NM_013275.5); short protein forms E1294Q.
Identifiers: ClinVar variation 1735814 (VCV001735814.10), dbSNP rs144053389, ClinGen allele CA8242271.

ClinVar aggregate classification (germline): Benign/Likely benign. Review status: criteria provided, multiple submitters, no conflicts (2 of 4 stars). 3 submissions from 3 submitters: Benign (1); Likely benign (1). 1 of the submissions does not count toward it. Last evaluated 2026-06-12.

Conditions:
ANKRD11-related disorder. Also called: ANKRD11-related condition.
KBG syndrome (KBGS). Also called: ANKRD11-Related KBG Syndrome. Identifiers: Orphanet 2332, MedGen C0220687, MONDO:0007846, OMIM 148050.
Inborn genetic diseases. Identifiers: MedGen C0950123, MeSH D030342.

Allele frequency attached by ClinVar (database versions not stated): gnomAD 0.00018; gnomAD exomes 0.00002; ExAC 0.00004; ESP Exome Variant Server 0.00023; TOPMed 0.00023.
gnomAD v4.1: 54 of 1,614,030 alleles (0.0033%); highest among the groups gnomAD compares: African/African-American, 0.071%; no homozygotes.

Submissions (3):

Ambry Genetics
Classification: Likely benign for Inborn genetic diseases. Last evaluated: 2026-06-12. Review status: criteria provided, single submitter. Criteria: Ambry Variant Classification Scheme 2023. Collection method: clinical testing. Allele origin: germline.

Labcorp Genetics (formerly Invitae), Labcorp
Classification: Benign for KBG syndrome. Last evaluated: 2024-10-24. Review status: criteria provided, single submitter. Criteria: Invitae Variant Classification Sherloc (09022015). Collection method: clinical testing. Allele origin: germline.

PreventionGenetics, part of Exact Sciences
Classification: Likely benign for ANKRD11-related condition. Last evaluated: 2022-03-31. Review status: no assertion criteria provided. Collection method: clinical testing. Allele origin: germline. Not counted in ClinVar's aggregate classification.
Comment: This variant is classified as likely benign based on ACMG/AMP sequence variant interpretation guidelines (Richards et al. 2015 PMID: 25741868, with internal and published modifications).